The following is an entry in ClinVar:

NM_145207.3(AFG2A):c.1024A>T (p.Lys342Ter)

Gene: AFG2A (AAA ATPase AFG2A; plus strand). Cytogenetic location: 4q28.1.
Variant type: single nucleotide variant.
Coding change: c.1024A>T on transcript NM_145207.3 (MANE Select); coding-DNA position 1024, A replaced by T.
Protein change: p.Lys342Ter; replaces lysine 342 with a stop codon.
Molecular consequence: nonsense.
Genome position (GRCh38, 1-based): chr4:122,934,615, A>T. VCF-style: chr4-122934615-A-T. GRCh37 (hg19) VCF-style: chr4-123855770-A-T.
Other names: c.1021A>T, p.Lys341Ter (NM_001317799.2, NM_001345856.2, NM_001437913.1); c.1024A>T, p.Lys342Ter (NM_001438322.1); short protein forms K341*, K342*.
Identifiers: ClinVar variation 5006725 (VCV005006725.2).
Genomic context (GRCh38, chr4:122,934,615, plus strand): 5'-ACTTTTTATTTTATTTCTTCAACAACAAGAGTCAATTTTACAGAGATTGATAAAAATTCA[A>T]AAGAGCAAGACAACCAATTCAAAGTAACTTATGACATGATAGGAGGATTAAGTAGCCAGC-3'

ClinVar aggregate classification (germline): Likely pathogenic (1 of 4 stars; one submission).

Conditions:
Microcephaly-intellectual disability-sensorineural hearing loss-epilepsy-abnormal muscle tone syndrome (NEDHSB). Also called: NEURODEVELOPMENTAL DISORDER WITH HEARING LOSS, SEIZURES, AND BRAIN ABNORMALITIES. Identifiers: Orphanet 457351, MedGen C4225276, MONDO:0014698, OMIM 616577.

Submission:

Juno Genomics, Hangzhou Juno Genomics, Inc
Classification: Likely pathogenic for Microcephaly-intellectual disability-sensorineural hearing loss-epilepsy-abnormal muscle tone syndrome. Review status: criteria provided, single submitter. Criteria: ACMG Guidelines, 2015. Collection method: clinical testing. Allele origin: germline.
Comment: Null variant in a gene where loss of function (LOF) is a known mechanism of disease.;Absent from controls (or at extremely low frequency if recessive) in Genome Aggregation Database.